The following is an entry in ClinVar:

ClinVar aggregate classification (germline): Benign/Likely benign. Review status: criteria provided, multiple submitters, no conflicts (2 of 4 stars). 3 submissions from 3 submitters: Benign (1); Likely benign (1). 1 of the submissions does not count toward it. Last evaluated 2026-03-01.

Conditions:
ATIC-related disorder. Also called: ATIC-related condition.

Allele frequency attached by ClinVar (database versions not stated): gnomAD exomes 0.00015; ExAC 0.00051; 1000 Genomes Project 0.00120; 1000 Genomes Project 30x 0.00125; ESP Exome Variant Server 0.00154; gnomAD 0.00171; TOPMed 0.00189.
gnomAD v4.1: 494 of 1,614,198 alleles (0.031%); highest among the groups gnomAD compares: African/African-American, 0.58%; 3 homozygotes.

Submissions (3):

CeGaT Center for Human Genetics Tuebingen
Classification: Likely benign. Last evaluated: 2026-03-01. Review status: criteria provided, single submitter. Criteria: CeGaT Center For Human Genetics Tuebingen Variant Classification Criteria Version 2. Collection method: clinical testing. Allele origin: germline. Affected: yes. Observed: 2 variant alleles.
Comment: ATIC: BS2

Labcorp Genetics (formerly Invitae), Labcorp
Classification: Benign. Last evaluated: 2025-08-26. Review status: criteria provided, single submitter. Criteria: Invitae Variant Classification Sherloc (09022015). Collection method: clinical testing. Allele origin: germline.

PreventionGenetics, part of Exact Sciences
Classification: Likely benign for ATIC-related condition. Last evaluated: 2019-06-07. Review status: no assertion criteria provided. Collection method: clinical testing. Allele origin: germline. Not counted in ClinVar's aggregate classification.
Comment: This variant is classified as likely benign based on ACMG/AMP sequence variant interpretation guidelines (Richards et al. 2015 PMID: 25741868, with internal and published modifications).

NM_004044.7(ATIC):c.1715T>C (p.Ile572Thr)

Gene: ATIC (5-aminoimidazole-4-carboxamide ribonucleotide formyltransferase/IMP cyclohydrolase; plus strand). Cytogenetic location: 2q35.
Variant type: single nucleotide variant.
Coding change: c.1715T>C on transcript NM_004044.7 (MANE Select); coding-DNA position 1715, T replaced by C.
Protein change: p.Ile572Thr; replaces isoleucine 572 with threonine.
Molecular consequence: missense variant.
Genome position (GRCh38, 1-based): chr2:215,349,591, T>C. VCF-style: chr2-215349591-T-C. GRCh37 (hg19) VCF-style: chr2-216214314-T-C.
Other names: c.1715T>C (NM_004044.6); short protein forms I572T.
Identifiers: ClinVar variation 2736244 (VCV002736244.22), dbSNP rs149185538, ClinGen allele CA2093482.